The following is an entry in ClinVar:

ClinVar aggregate classification (germline): Benign/Likely benign. Review status: criteria provided, multiple submitters, no conflicts (2 of 4 stars). 5 submissions from 5 submitters: Benign (4); Likely benign (1). Last evaluated 2026-01-05.

Conditions:
Renal tubular dysgenesis. Also called: Renotubular dysgenesis. Identifiers: Orphanet 3033, MedGen C0266313, MONDO:0017609, HP:0008660.
Renal tubular dysgenesis of genetic origin. Also called: PRIMITIVE RENAL TUBULE SYNDROME. Identifiers: Orphanet 97369, MedGen C5681536, MONDO:0009970, OMIM 267430.

Allele frequency attached by ClinVar (database versions not stated): 1000 Genomes Project 30x 0.00203; gnomAD 0.00235 and 0.00260; TOPMed 0.00251; 1000 Genomes Project 0.00260; ESP Exome Variant Server 0.00354; gnomAD exomes 0.00370 and 0.00386; ExAC 0.00405.
gnomAD v4.1: 6,050 of 1,613,236 alleles (0.38%); highest among the groups gnomAD compares: South Asian, 0.94%; 32 homozygotes.

Submissions (5):

Labcorp Genetics (formerly Invitae), Labcorp
Classification: Benign. Last evaluated: 2026-01-05. Review status: criteria provided, single submitter. Criteria: Invitae Variant Classification Sherloc (09022015). Collection method: clinical testing. Allele origin: germline.

CeGaT Center for Human Genetics Tuebingen
Classification: Likely benign. Last evaluated: 2025-03-01. Review status: criteria provided, single submitter. Criteria: CeGaT Center For Human Genetics Tuebingen Variant Classification Criteria Version 2. Collection method: clinical testing. Allele origin: germline. Affected: yes. Observed: 2 variant alleles.
Comment: AGTR1: BS2

Department of Pathology and Laboratory Medicine, Sinai Health System
Classification: Benign for renal tubular dysgenesis of genetic origin. Last evaluated: 2021-07-30. Review status: criteria provided, single submitter. Criteria: ACMG Guidelines, 2015. Collection method: research. Allele origin: germline.

Illumina Laboratory Services, Illumina
Classification: Benign for Renal tubular dysgenesis of genetic origin. Last evaluated: 2017-04-27. Review status: criteria provided, single submitter. Criteria: ICSL Variant Classification Criteria 13 December 2019. Collection method: clinical testing. Allele origin: germline.
Comment: This variant was observed as part of a predisposition screen in an ostensibly healthy population. A literature search was performed for the gene, cDNA change, and amino acid change (where applicable). Publications were found based on this search. The evidence from the literature, in combination with allele frequency data from public databases where available, was sufficient to rule this variant out of causing disease. Therefore, this variant is classified as benign.

Breakthrough Genomics
Classification: Benign. Review status: criteria provided, single submitter. Criteria: ACMG Guidelines, 2015. Collection method: not provided. Allele origin: germline. Inheritance: Autosomal recessive inheritance. Affected: yes.

Literature cited by the submitters: PubMed 21179236 (cited by Illumina Laboratory Services, Illumina); PubMed 18641512 (cited by Illumina Laboratory Services, Illumina); PubMed 22569962 (cited by Illumina Laboratory Services, Illumina).

NM_000685.5(AGTR1):c.730G>T (p.Ala244Ser)

Gene: AGTR1 (angiotensin II receptor type 1; plus strand). Cytogenetic location: 3q24.
Variant type: single nucleotide variant.
Coding change: c.730G>T on transcript NM_000685.5 (MANE Select); coding-DNA position 730, G replaced by T.
Protein change: p.Ala244Ser; replaces alanine 244 with serine.
Molecular consequence: missense variant.
Genome position (GRCh38, 1-based): chr3:148,741,765, G>T. VCF-style: chr3-148741765-G-T. GRCh37 (hg19) VCF-style: chr3-148459552-G-T.
Other names: c.730G>T, p.Ala244Ser (NM_001382736.1, NM_001382737.1, NM_004835.5 and 3 more transcripts); short protein forms A279S, A244S.
Identifiers: ClinVar variation 773450 (VCV000773450.29), dbSNP rs12721225, ClinGen allele CA2657375.